The following is an entry in ClinVar:

NM_001009944.3(PKD1):c.1624G>A (p.Glu542Lys)

Gene: PKD1 (polycystin 1, transient receptor potential channel interacting; minus strand). Cytogenetic location: 16p13.3.
Variant type: single nucleotide variant.
Coding change: c.1624G>A on transcript NM_001009944.3 (MANE Select); coding-DNA position 1624, G replaced by A.
Protein change: p.Glu542Lys; replaces glutamic acid 542 with lysine.
Molecular consequence: missense variant.
Genome position (GRCh38, 1-based): chr16:2,116,627, C>T on the plus strand (G>A on the coding strand, the complement: PKD1 is on the minus strand). VCF-style: chr16-2116627-C-T. GRCh37 (hg19) VCF-style: chr16-2166628-C-T.
Other names: c.1624G>A, p.Glu542Lys (NM_000296.4); short protein forms E542K.
Identifiers: ClinVar variation 3213443 (VCV003213443.2), dbSNP rs570811509, ClinGen allele CA7833463.

ClinVar aggregate classification (germline): Likely benign. Review status: criteria provided, multiple submitters, no conflicts (2 of 4 stars). 2 submissions from 2 submitters: Likely benign (2). Last evaluated 2025-12-22.

Conditions:
PKD1-related disorder. Also called: PKD1-related condition.
Inborn genetic diseases. Identifiers: MedGen C0950123, MeSH D030342.

Allele frequency attached by ClinVar (database versions not stated): gnomAD 0.00003; gnomAD exomes 0.00004; TOPMed 0.00015; ExAC 0.00022; 1000 Genomes Project 30x 0.00031; 1000 Genomes Project 0.00040.
gnomAD v4.1: 58 of 1,541,880 alleles (0.0038%); highest among the groups gnomAD compares: Admixed American, 0.084%; no homozygotes.

Submissions (2):

PreventionGenetics, part of Exact Sciences
Classification: Likely benign for PKD1-related condition. Last evaluated: 2025-12-22. Review status: criteria provided, single submitter. Criteria: ACMG Guidelines, 2015. Collection method: clinical testing. Allele origin: germline.
Comment: This variant is classified as likely benign based on ACMG/AMP sequence variant interpretation guidelines (Richards et al. 2015 PMID: 25741868, with internal and published modifications).

Ambry Genetics
Classification: Likely benign for Inborn genetic diseases. Last evaluated: 2024-02-13. Review status: criteria provided, single submitter. Criteria: Ambry Variant Classification Scheme 2023. Collection method: clinical testing. Allele origin: germline.